The following is an entry in ClinVar:

NM_001353921.2(ARHGEF9):c.1088G>A (p.Arg363Gln)

Gene: ARHGEF9 (Cdc42 guanine nucleotide exchange factor 9; minus strand). Cytogenetic location: Xq11.1.
Variant type: single nucleotide variant.
Coding change: c.1088G>A on transcript NM_001353921.2 (MANE Select); coding-DNA position 1088, G replaced by A.
Protein change: p.Arg363Gln; replaces arginine 363 with glutamine.
Molecular consequence: missense variant. On other transcripts: intron variant (2).
Genome position (GRCh38, 1-based): chrX:63,655,727, C>T on the plus strand (G>A on the coding strand, the complement: ARHGEF9 is on the minus strand). VCF-style: chrX-63655727-C-T. GRCh37 (hg19) VCF-style: chrX-62875607-C-T.
Other names: c.908G>A, p.Arg303Gln (NM_001173479.2); c.761G>A, p.Arg254Gln (NM_001173480.2, NM_001369042.1); c.1004G>A, p.Arg335Gln (NM_001330495.2, NM_001369033.1, NM_001369034.1 and 4 more transcripts); c.956G>A, p.Arg319Gln (NM_001353922.2); c.1106G>A, p.Arg369Gln (NM_001353923.1); c.887G>A, p.Arg296Gln (NM_001353924.2, NM_001353926.2, NM_001369039.1 and 1 more transcripts); c.872G>A, p.Arg291Gln (NM_001353927.2, NM_001369041.1); c.935G>A, p.Arg312Gln (NM_001353928.2); and 4 more; short protein forms R254Q, R319Q, R356Q, R363Q, R296Q, R312Q, R303Q, R335Q.
Identifiers: ClinVar variation 1373938 (VCV001373938.37), dbSNP rs1556335112, ClinGen allele CA413404821.

ClinVar aggregate classification (germline): Conflicting classifications of pathogenicity. Review status: criteria provided, conflicting classifications (1 of 4 stars). 3 submissions from 3 submitters: Pathogenic (1); Likely pathogenic (1); Uncertain significance (1). Last evaluated 2025-01-06.

Conditions:
Developmental and epileptic encephalopathy, 8 (DEE8). Also called: HYPEREKPLEXIA AND EPILEPSY. Identifiers: Orphanet 163985, Orphanet 2076, MedGen C1845102, MONDO:0010375, OMIM 300607.

Allele frequency attached by ClinVar (database versions not stated): gnomAD exomes below 0.00001 and 0.00001.

Submissions (3):

Labcorp Genetics (formerly Invitae), Labcorp
Classification: Uncertain significance for Developmental and epileptic encephalopathy, 8. Last evaluated: 2025-01-06. Review status: criteria provided, single submitter. Criteria: Invitae Variant Classification Sherloc (09022015). Collection method: clinical testing. Allele origin: germline.
Comment: This sequence change replaces arginine, which is basic and polar, with glutamine, which is neutral and polar, at codon 356 of the ARHGEF9 protein (p.Arg356Gln). This variant is not present in population databases (gnomAD no frequency). This missense change has been observed in individual(s) with clinical features of ARHGEF9-related conditions (PMID: 28589176). ClinVar contains an entry for this variant (Variation ID: 1373938). Invitae Evidence Modeling of protein sequence and biophysical properties (such as structural, functional, and spatial information, amino acid conservation, physicochemical variation, residue mobility, and thermodynamic stability) has been performed for this missense variant. However, the output from this modeling did not meet the statistical confidence thresholds required to predict the impact of this variant on ARHGEF9 protein function. Experimental studies have shown that this missense change affects ARHGEF9 function (PMID: 30914922). In summary, the available evidence is currently insufficient to determine the role of this variant in disease. Therefore, it has been classified as a Variant of Uncertain Significance.

GeneDx
Classification: Likely pathogenic. Last evaluated: 2024-09-10. Review status: criteria provided, single submitter. Criteria: GeneDx Variant Classification Process June 2021. Collection method: clinical testing. Allele origin: germline. Affected: yes.
Comment: Published functional studies demonstrate a decrease in PI3P binding and abnormal colocalization with gephyrin including a decrease in cluster number and size (PMID: 30914922); In silico analysis supports that this missense variant has a deleterious effect on protein structure/function; This variant is associated with the following publications: (PMID: 30914922, 28589176)

CeGaT Center for Human Genetics Tuebingen
Classification: Pathogenic. Last evaluated: 2022-07-01. Review status: criteria provided, single submitter. Criteria: CeGaT Center For Human Genetics Tuebingen Variant Classification Criteria Version 2. Collection method: clinical testing. Allele origin: germline. Affected: yes. Observed: 1 variant allele.
Comment: ARHGEF9: PM1, PM2, PP1:Moderate, PS4:Moderate, PP3, PS3:Supporting

Literature cited by the submitters: PubMed 28589176 (cited by Labcorp Genetics (formerly Invitae), Labcorp); PubMed 30914922 (cited by Labcorp Genetics (formerly Invitae), Labcorp).